The following is an entry in ClinVar:

NM_001365951.3(KIF1B):c.*2114C>G

Gene: KIF1B (kinesin family member 1B; plus strand). Cytogenetic location: 1p36.22.
Variant type: single nucleotide variant.
Coding change: c.*2114C>G on transcript NM_001365951.3 (MANE Select); 2114 bases downstream of the stop codon, C replaced by G.
Molecular consequence: 3 prime UTR variant.
Genome position (GRCh38, 1-based): chr1:10,378,701, C>G. VCF-style: chr1-10378701-C-G. GRCh37 (hg19) VCF-style: chr1-10438759-C-G.
Other names: c.*2114C>G (NM_001365952.1, NM_015074.3).
Identifiers: ClinVar variation 874354 (VCV000874354.28), dbSNP rs574859747, ClinGen allele CA17858973.
Genomic context (GRCh38, chr1:10,378,701, plus strand): 5'-CAGGGGCTTGCGCGCCTCTGCAGAGTTGTTGCTAGGGAGACTTGTGTCATCATCCACAAC[C>G]TTGTTTCTCACTTCCTGGTTGGGCTCATCTCTGAAGAACAGGTCTCCCAGCTTCGCTCCT-3'

ClinVar aggregate classification (germline): Conflicting classifications of pathogenicity. Review status: criteria provided, conflicting classifications (1 of 4 stars). 2 submissions from 2 submitters: Uncertain significance (1); Benign (1). Last evaluated 2022-07-01.

Conditions:
Neuroblastoma (NB). Identifiers: Orphanet 635, MedGen C0027819, MeSH D009447, MONDO:0005072, HP:0003006.

Allele frequency attached by ClinVar (database versions not stated): 1000 Genomes Project 30x 0.00031; 1000 Genomes Project 0.00040; gnomAD 0.00076 and 0.00077; TOPMed 0.00080; gnomAD exomes 0.00093.
gnomAD v4.1: 362 of 424,318 alleles (0.085%); highest among the groups gnomAD compares: Admixed American, 0.16%; 1 homozygote.

Submissions (2):

CeGaT Center for Human Genetics Tuebingen
Classification: Benign. Last evaluated: 2022-07-01. Review status: criteria provided, single submitter. Criteria: CeGaT Center For Human Genetics Tuebingen Variant Classification Criteria Version 2. Collection method: clinical testing. Allele origin: germline. Affected: yes. Observed: 1 variant allele.
Comment: KIF1B: BS1, BS2

Illumina Laboratory Services, Illumina
Classification: Uncertain significance for Neuroblastoma. Last evaluated: 2018-01-12. Review status: criteria provided, single submitter. Criteria: ICSL Variant Classification Criteria 13 December 2019. Collection method: clinical testing. Allele origin: germline.